The following is an entry in ClinVar:

NM_053025.4(MYLK):c.1669G>A (p.Ala557Thr)

Gene: MYLK (myosin light chain kinase; minus strand). Cytogenetic location: 3q21.1.
Variant type: single nucleotide variant.
Coding change: c.1669G>A on transcript NM_053025.4 (MANE Select); coding-DNA position 1669, G replaced by A.
Protein change: p.Ala557Thr; replaces alanine 557 with threonine.
Molecular consequence: missense variant.
Genome position (GRCh38, 1-based): chr3:123,722,263, C>T on the plus strand (G>A on the coding strand, the complement: MYLK is on the minus strand). VCF-style: chr3-123722263-C-T. GRCh37 (hg19) VCF-style: chr3-123441110-C-T.
Other names: c.1141G>A, p.Ala381Thr (NM_001321309.2); c.1462G>A, p.Ala488Thr (NM_053026.4, NM_053028.4); c.1669G>A, p.Ala557Thr (NM_053027.4); short protein forms A557T, A488T, A381T.
Identifiers: ClinVar variation 519979 (VCV000519979.18), dbSNP rs143403855, ClinGen allele CA067393.

ClinVar aggregate classification (germline): Uncertain significance. Review status: criteria provided, multiple submitters, no conflicts (2 of 4 stars). 4 submissions from 4 submitters: Uncertain significance (3). 1 of the submissions does not count toward it. Last evaluated 2025-11-27.

Conditions:
Megacystis-microcolon-intestinal hypoperistalsis syndrome 1. Identifiers: MedGen C5542316, MONDO:0100354, OMIM 249210.
Familial thoracic aortic aneurysm and aortic dissection (TAAD). Also called: Thoracic aortic aneurysms and dissections. Identifiers: Orphanet 91387, MedGen C4707243, MONDO:0019625.
Aortic aneurysm, familial thoracic 7 (AAT7). Also called: AORTIC DISSECTION, FAMILIAL, WITH OR WITHOUT AORTIC ANEURYSM. Identifiers: MedGen C3151077, MONDO:0013418, OMIM 613780.

Allele frequency attached by ClinVar (database versions not stated): ExAC below 0.00001; gnomAD 0.00001 and 0.00002; TOPMed 0.00001; ESP Exome Variant Server 0.00008; 1000 Genomes Project 30x 0.00016.
gnomAD v4.1: 52 of 1,569,852 alleles (0.0033%); highest among the groups gnomAD compares: Admixed American, 0.0056%; no homozygotes.

Submissions (4):

Labcorp Genetics (formerly Invitae), Labcorp
Classification: Uncertain significance for Aortic aneurysm, familial thoracic 7. Last evaluated: 2025-11-27. Review status: criteria provided, single submitter. Criteria: Invitae Variant Classification Sherloc (09022015). Collection method: clinical testing. Allele origin: germline.
Comment: This sequence change replaces alanine, which is neutral and non-polar, with threonine, which is neutral and polar, at codon 557 of the MYLK protein (p.Ala557Thr). The frequency data for this variant in the population databases is considered unreliable, as metrics indicate poor data quality at this position in the gnomAD database. This variant has not been reported in the literature in individuals affected with MYLK-related conditions. ClinVar contains an entry for this variant (Variation ID: 519979). Invitae Evidence Modeling of protein sequence and biophysical properties (such as structural, functional, and spatial information, amino acid conservation, physicochemical variation, residue mobility, and thermodynamic stability) indicates that this missense variant is not expected to disrupt MYLK protein function with a negative predictive value of 80%. In summary, the available evidence is currently insufficient to determine the role of this variant in disease. Therefore, it has been classified as a Variant of Uncertain Significance.

Ambry Genetics
Classification: Uncertain significance for Familial thoracic aortic aneurysm and aortic dissection. Last evaluated: 2025-08-19. Review status: criteria provided, single submitter. Criteria: Ambry Variant Classification Scheme 2023. Collection method: clinical testing. Allele origin: germline.
Comment: The p.A557T variant (also known as c.1669G>A), located in coding exon 10 of the MYLK gene, results from a G to A substitution at nucleotide position 1669. The alanine at codon 557 is replaced by threonine, an amino acid with similar properties. This amino acid position is highly conserved in available vertebrate species. In addition, this alteration is predicted to be tolerated by in silico analysis. Since supporting evidence is limited at this time, the clinical significance of this alteration remains unclear.

GeneDx
Classification: Uncertain significance. Last evaluated: 2021-12-21. Review status: criteria provided, single submitter. Criteria: GeneDx Variant Classification Process June 2021. Collection method: clinical testing. Allele origin: germline. Affected: yes.
Comment: Has not been previously published as pathogenic or benign to our knowledge; Not observed at significant frequency in large population cohorts (gnomAD); In silico analysis supports that this missense variant does not alter protein structure/function

Seattle Children's Hospital Molecular Genetics Laboratory, Seattle Children's Hospital
Classification: Uncertain significance for Megacystis-microcolon-intestinal hypoperistalsis syndrome 1. Review status: no assertion criteria provided. Collection method: clinical testing. Allele origin: germline. Affected: yes. Not counted in ClinVar's aggregate classification.